The following is an entry in ClinVar:

NM_145059.3(FCSK):c.1966G>A (p.Glu656Lys)

Gene: FCSK (fucose kinase; plus strand). Cytogenetic location: 16q22.1.
Variant type: single nucleotide variant.
Coding change: c.1966G>A on transcript NM_145059.3 (MANE Select); coding-DNA position 1966, G replaced by A.
Protein change: p.Glu656Lys; replaces glutamic acid 656 with lysine.
Molecular consequence: missense variant.
Genome position (GRCh38, 1-based): chr16:70,474,317, G>A. VCF-style: chr16-70474317-G-A. GRCh37 (hg19) VCF-style: chr16-70508220-G-A.
Other names: c.1966G>A (NM_145059.2); short protein forms E656K.
Identifiers: ClinVar variation 1987045 (VCV001987045.5), dbSNP rs750558905, ClinGen allele CA8143457.
Genomic context (GRCh38, chr16:70,474,317, plus strand): 5'-CGGCCCTTCTCATACCTGGAGTGTGGAGACCTGGCAGCGGGCGTGGAGGCGCTTGCCCAG[G>A]AGAGGGACAAGTGGCTAAGCAGGTGTGTACTAATGGAGGTCAGATCCCTTGGATAAGCCC-3'
Protein context (NP_659496.2, residues 646-666): LAAGVEALAQ[Glu656Lys]RDKWLSRPAL

ClinVar aggregate classification (germline): Uncertain significance. Review status: criteria provided, multiple submitters, no conflicts (2 of 4 stars). 2 submissions from 2 submitters: Uncertain significance (2). Last evaluated 2024-09-16.

Allele frequency attached by ClinVar (database versions not stated): TOPMed 0.00001; gnomAD exomes 0.00002; ExAC 0.00004; gnomAD 0.00004.
gnomAD v4.1: 20 of 1,613,490 alleles (0.0012%); highest among the groups gnomAD compares: Admixed American, 0.033%; no homozygotes.

Submissions (2):

Labcorp Genetics (formerly Invitae), Labcorp
Classification: Uncertain significance. Last evaluated: 2024-09-16. Review status: criteria provided, single submitter. Criteria: Invitae Variant Classification Sherloc (09022015). Collection method: clinical testing. Allele origin: germline.
Comment: This sequence change replaces glutamic acid, which is acidic and polar, with lysine, which is basic and polar, at codon 656 of the FUK protein (p.Glu656Lys). This variant is present in population databases (rs750558905, gnomAD 0.04%). This variant has not been reported in the literature in individuals affected with FUK-related conditions. ClinVar contains an entry for this variant (Variation ID: 1987045). An algorithm developed to predict the effect of missense changes on protein structure and function (PolyPhen-2) suggests that this variant is likely to be tolerated. In summary, the available evidence is currently insufficient to determine the role of this variant in disease. Therefore, it has been classified as a Variant of Uncertain Significance.

Ambry Genetics
Classification: Uncertain significance. Last evaluated: 2024-07-09. Review status: criteria provided, single submitter. Criteria: Ambry Variant Classification Scheme 2023. Collection method: clinical testing. Allele origin: germline.